The following is an entry in ClinVar:

ClinVar aggregate classification (germline): Uncertain significance. Review status: criteria provided, multiple submitters, no conflicts (2 of 4 stars). 2 submissions from 2 submitters: Uncertain significance (2). Last evaluated 2026-01-11.

Conditions:
TTC8-related disorder. Also called: TTC8-related condition.
Bardet-Biedl syndrome (BBS). Identifiers: Orphanet 110, MedGen C0752166, MONDO:0015229.

Allele frequency attached by ClinVar (database versions not stated): TOPMed 0.00001.

Submissions (2):

PreventionGenetics, part of Exact Sciences
Classification: Uncertain significance for TTC8-related condition. Last evaluated: 2026-01-11. Review status: criteria provided, single submitter. Criteria: ACMG Guidelines, 2015. Collection method: clinical testing. Allele origin: germline.
Comment: The TTC8 c.659C>T variant is predicted to result in the amino acid substitution p.Ser220Phe. To our knowledge, this variant has not been reported in the literature or in a large population database (gnomAD), indicating this variant is rare. At this time, the clinical significance of this variant is uncertain due to the absence of conclusive functional and genetic evidence.

Labcorp Genetics (formerly Invitae), Labcorp
Classification: Uncertain significance for Bardet-Biedl syndrome. Last evaluated: 2023-07-17. Review status: criteria provided, single submitter. Criteria: Invitae Variant Classification Sherloc (09022015). Collection method: clinical testing. Allele origin: germline.
Comment: This sequence change replaces serine, which is neutral and polar, with phenylalanine, which is neutral and non-polar, at codon 210 of the TTC8 protein (p.Ser210Phe). This variant is not present in population databases (gnomAD no frequency). This variant has not been reported in the literature in individuals affected with TTC8-related conditions. ClinVar contains an entry for this variant (Variation ID: 1490713). Advanced modeling of protein sequence and biophysical properties (such as structural, functional, and spatial information, amino acid conservation, physicochemical variation, residue mobility, and thermodynamic stability) performed at Invitae indicates that this missense variant is not expected to disrupt TTC8 protein function. In summary, the available evidence is currently insufficient to determine the role of this variant in disease. Therefore, it has been classified as a Variant of Uncertain Significance.

NM_144596.4(TTC8):c.659C>T (p.Ser220Phe)

Gene: TTC8 (tetratricopeptide repeat domain 8; plus strand). Cytogenetic location: 14q31.3.
Variant type: single nucleotide variant.
Coding change: c.659C>T on transcript NM_144596.4 (MANE Select); coding-DNA position 659, C replaced by T.
Protein change: p.Ser220Phe; replaces serine 220 with phenylalanine.
Molecular consequence: missense variant. On other transcripts: 5 prime UTR variant (1), non-coding transcript variant (1).
Genome position (GRCh38, 1-based): chr14:88,853,005, C>T. VCF-style: chr14-88853005-C-T. GRCh37 (hg19) VCF-style: chr14-89319349-C-T.
Other names: c.659C>T (NM_144596.3); c.707C>T, p.Ser236Phe (NM_001288781.1); c.65C>T, p.Ser22Phe (NM_001288782.1); c.-59C>T (NM_001288783.1); c.629C>T, p.Ser210Phe (NM_001366535.2, NM_198309.3); c.539C>T, p.Ser180Phe (NM_001366536.2, NM_198310.3); short protein forms S210F, S220F, S22F, S236F, S180F.
Identifiers: ClinVar variation 1490713 (VCV001490713.9), dbSNP rs2094840063, ClinGen allele CA390544501.